The following is an entry in ClinVar:

ClinVar aggregate classification (germline): Likely benign. Review status: criteria provided, multiple submitters, no conflicts (2 of 4 stars). 3 submissions from 3 submitters: Likely benign (3). Last evaluated 2025-08-11.

Conditions:
Macrothrombocytopenia and granulocyte inclusions with or without nephritis or sensorineural hearing loss (MATINS). Also called: DOHLE LEUKOCYTE INCLUSIONS WITH GIANT PLATELETS; BLEEDING DISORDER, PLATELET-TYPE, 6; MYH9-Related Disease (MYH9-RD); MACROTHROMBOCYTOPENIA WITH LEUKOCYTE INCLUSIONS; MAY-HEGGLIN ANOMALY; SEBASTIAN PLATELET SYNDROME. Identifiers: Orphanet 182050, MedGen C5200934, MONDO:0015912, OMIM 155100.
Autosomal dominant nonsyndromic hearing loss 17. Also called: Deafness, autosomal dominant 17; Autosomal dominant nonsyndromic deafness 17. Identifiers: Orphanet 90635, MedGen C1863659, MONDO:0011350, OMIM 603622.

Allele frequency attached by ClinVar (database versions not stated): gnomAD exomes 0.00005 and 0.00009; ExAC 0.00010; 1000 Genomes Project 30x 0.00016; 1000 Genomes Project 0.00020; TOPMed 0.00020; gnomAD 0.00021 and 0.00022; ESP Exome Variant Server 0.00031.
gnomAD v4.1: 106 of 1,613,368 alleles (0.0066%); highest among the groups gnomAD compares: African/African-American, 0.059%; no homozygotes.

Submissions (3):

Labcorp Genetics (formerly Invitae), Labcorp
Classification: Likely benign. Last evaluated: 2025-08-11. Review status: criteria provided, single submitter. Criteria: Invitae Variant Classification Sherloc (09022015). Collection method: clinical testing. Allele origin: germline.

Mayo Clinic Laboratories, Mayo Clinic
Classification: Likely benign. Last evaluated: 2025-04-07. Review status: criteria provided, single submitter. Criteria: ACMG Guidelines, 2015. Collection method: clinical testing. Allele origin: germline. Observed: 1 variant allele.
Comment: BS1, BP4, BP7

Fulgent Genetics
Classification: Likely benign for Macrothrombocytopenia and granulocyte inclusions with or without nephritis or sensorineural hearing loss; Autosomal dominant nonsyndromic hearing loss 17. Last evaluated: 2021-08-11. Review status: criteria provided, single submitter. Criteria: ACMG Guidelines, 2015. Collection method: clinical testing. Allele origin: unknown.

NM_002473.6(MYH9):c.2085C>T (p.Asn695=)

Gene: MYH9 (myosin heavy chain 9; minus strand). Cytogenetic location: 22q12.3.
Variant type: single nucleotide variant.
Coding change: c.2085C>T on transcript NM_002473.6 (MANE Select); coding-DNA position 2085, C replaced by T.
Protein change: p.Asn695=; no amino-acid change (asparagine 695 retained).
Molecular consequence: synonymous variant.
Genome position (GRCh38, 1-based): chr22:36,306,004, G>A on the plus strand (C>T on the coding strand, the complement: MYH9 is on the minus strand). VCF-style: chr22-36306004-G-A. GRCh37 (hg19) VCF-style: chr22-36702050-G-A.
Other names: p.Asn695=.
Identifiers: ClinVar variation 717124 (VCV000717124.9), dbSNP rs375953430, ClinGen allele CA10210090.
Genomic context (GRCh38, chr22:36,306,004, plus strand): 5'-CTGGAAGACCACCCTGTTGGGGAAGCCCTGGCGGCAGATACGGATGCCCTCGAGAACACC[G>A]TTGCAGCGCAGCTGGTCCAGCACGAGATGCGGGTCCAGCTTGCCGGCCTGGAGAAGAAAA-3'
Protein context (NP_002464.1, residues 685-705): PHLVLDQLRC[Asn695=]GVLEGIRICR